The following is an entry in ClinVar:

ClinVar aggregate classification (germline): Uncertain significance. Review status: criteria provided, multiple submitters, no conflicts (2 of 4 stars). 2 submissions from 2 submitters: Uncertain significance (2). Last evaluated 2022-11-21.

Conditions:
Inborn genetic diseases. Identifiers: MedGen C0950123, MeSH D030342.

Allele frequency attached by ClinVar (database versions not stated): ExAC 0.00001; gnomAD 0.00002; ESP Exome Variant Server 0.00008.
gnomAD v4.1: 18 of 1,610,862 alleles (0.0011%); highest among the groups gnomAD compares: Middle Eastern, 0.016%; no homozygotes.

Submissions (2):

Ambry Genetics
Classification: Uncertain significance for Inborn genetic diseases. Last evaluated: 2022-11-21. Review status: criteria provided, single submitter. Criteria: Ambry Variant Classification Scheme 2023. Collection method: clinical testing. Allele origin: germline.

Labcorp Genetics (formerly Invitae), Labcorp
Classification: Uncertain significance. Last evaluated: 2022-04-08. Review status: criteria provided, single submitter. Criteria: Invitae Variant Classification Sherloc (09022015). Collection method: clinical testing. Allele origin: germline.
Comment: This sequence change replaces leucine, which is neutral and non-polar, with phenylalanine, which is neutral and non-polar, at codon 332 of the GRID2 protein (p.Leu332Phe). This variant is present in population databases (rs371885400, gnomAD 0.0009%). This variant has not been reported in the literature in individuals affected with GRID2-related conditions. Algorithms developed to predict the effect of missense changes on protein structure and function are either unavailable or do not agree on the potential impact of this missense change (SIFT: "Tolerated"; PolyPhen-2: "Probably Damaging"; Align-GVGD: "Class C0"). In summary, the available evidence is currently insufficient to determine the role of this variant in disease. Therefore, it has been classified as a Variant of Uncertain Significance.

NM_001510.4(GRID2):c.994C>T (p.Leu332Phe)

Gene: GRID2 (glutamate ionotropic receptor delta type subunit 2; plus strand). Cytogenetic location: 4q22.2.
Variant type: single nucleotide variant.
Coding change: c.994C>T on transcript NM_001510.4 (MANE Select); coding-DNA position 994, C replaced by T.
Protein change: p.Leu332Phe; replaces leucine 332 with phenylalanine.
Molecular consequence: missense variant.
Genome position (GRCh38, 1-based): chr4:93,224,644, C>T. VCF-style: chr4-93224644-C-T. GRCh37 (hg19) VCF-style: chr4-94145795-C-T.
Other names: c.709C>T, p.Leu237Phe (NM_001286838.1); c.994C>T (NM_001510.2); short protein forms L237F, L332F.
Identifiers: ClinVar variation 2226159 (VCV002226159.5), dbSNP rs371885400, ClinGen allele CA3012146.